The following is an entry in ClinVar:

NM_018417.6(ADCY10):c.2897A>G (p.His966Arg)

Gene: ADCY10 (adenylate cyclase 10; minus strand). Cytogenetic location: 1q24.2.
Variant type: single nucleotide variant.
Coding change: c.2897A>G on transcript NM_018417.6 (MANE Select); coding-DNA position 2897, A replaced by G.
Protein change: p.His966Arg; replaces histidine 966 with arginine.
Molecular consequence: missense variant.
Genome position (GRCh38, 1-based): chr1:167,845,673, T>C on the plus strand (A>G on the coding strand, the complement: ADCY10 is on the minus strand). VCF-style: chr1-167845673-T-C. GRCh37 (hg19) VCF-style: chr1-167814911-T-C.
Other names: c.2897A>G (NM_018417.4); c.2438A>G, p.His813Arg (NM_001167749.3); c.2621A>G, p.His874Arg (NM_001297772.2); short protein forms H966R, H813R, H874R.
Identifiers: ClinVar variation 1906223 (VCV001906223.6), dbSNP rs1244688567, ClinGen allele CA343080385.

ClinVar aggregate classification (germline): Uncertain significance. Review status: criteria provided, multiple submitters, no conflicts (2 of 4 stars). 2 submissions from 2 submitters: Uncertain significance (2). Last evaluated 2025-08-29.

Allele frequency attached by ClinVar (database versions not stated): TOPMed 0.00002.
gnomAD v4.1: 6 of 1,614,264 alleles (0.00037%); highest among the groups gnomAD compares: Non-Finnish European, 0.00042%; no homozygotes.

Submissions (2):

Ambry Genetics
Classification: Uncertain significance. Last evaluated: 2025-08-29. Review status: criteria provided, single submitter. Criteria: Ambry Variant Classification Scheme 2023. Collection method: clinical testing. Allele origin: germline.

Labcorp Genetics (formerly Invitae), Labcorp
Classification: Uncertain significance. Last evaluated: 2022-09-07. Review status: criteria provided, single submitter. Criteria: Invitae Variant Classification Sherloc (09022015). Collection method: clinical testing. Allele origin: germline.
Comment: In summary, the available evidence is currently insufficient to determine the role of this variant in disease. Therefore, it has been classified as a Variant of Uncertain Significance. Algorithms developed to predict the effect of missense changes on protein structure and function output the following: SIFT: "Tolerated"; PolyPhen-2: "Benign"; Align-GVGD: "Class C0". The arginine amino acid residue is found in multiple mammalian species, which suggests that this missense change does not adversely affect protein function. This variant has not been reported in the literature in individuals affected with ADCY10-related conditions. This variant is not present in population databases (gnomAD no frequency). This sequence change replaces histidine, which is basic and polar, with arginine, which is basic and polar, at codon 966 of the ADCY10 protein (p.His966Arg).